The following is an entry in ClinVar:

NM_006846.4(SPINK5):c.2721G>C (p.Lys907Asn)

Gene: SPINK5 (serine peptidase inhibitor Kazal type 5; plus strand). Cytogenetic location: 5q32.
Variant type: single nucleotide variant.
Coding change: c.2721G>C on transcript NM_006846.4 (MANE Select); coding-DNA position 2721, G replaced by C.
Protein change: p.Lys907Asn; replaces lysine 907 with asparagine.
Molecular consequence: missense variant.
Genome position (GRCh38, 1-based): chr5:148,124,819, G>C. VCF-style: chr5-148124819-G-C. GRCh37 (hg19) VCF-style: chr5-147504382-G-C.
Other names: c.2721G>C, p.Lys907Asn (NM_001127698.2, NM_001127699.2); short protein forms K907N.
Identifiers: ClinVar variation 953774 (VCV000953774.9), dbSNP rs1754389082, ClinGen allele CA361648360.

ClinVar aggregate classification (germline): Uncertain significance (1 of 4 stars; one submission).

Conditions:
Ichthyosis linearis circumflexa. Identifiers: MedGen C0265962, MONDO:0043106, HP:0025810.

Submission:

Labcorp Genetics (formerly Invitae), Labcorp
Classification: Uncertain significance for Ichthyosis linearis circumflexa. Last evaluated: 2022-10-17. Review status: criteria provided, single submitter. Criteria: Invitae Variant Classification Sherloc (09022015). Collection method: clinical testing. Allele origin: germline.
Comment: In summary, the available evidence is currently insufficient to determine the role of this variant in disease. Therefore, it has been classified as a Variant of Uncertain Significance. Advanced modeling of protein sequence and biophysical properties (such as structural, functional, and spatial information, amino acid conservation, physicochemical variation, residue mobility, and thermodynamic stability) performed at Invitae indicates that this missense variant is not expected to disrupt SPINK5 protein function. ClinVar contains an entry for this variant (Variation ID: 953774). This variant has not been reported in the literature in individuals affected with SPINK5-related conditions. This variant is not present in population databases (gnomAD no frequency). This sequence change replaces lysine, which is basic and polar, with asparagine, which is neutral and polar, at codon 907 of the SPINK5 protein (p.Lys907Asn).